The following is an entry in ClinVar:

ClinVar aggregate classification (germline): Uncertain significance (1 of 4 stars; one submission).

Submission:

GeneDx
Classification: Uncertain significance. Last evaluated: 2025-02-05. Review status: criteria provided, single submitter. Criteria: GeneDx Variant Classification Process June 2021. Collection method: clinical testing. Allele origin: germline. Affected: yes.
Comment: In silico analysis supports that this missense variant has a deleterious effect on protein structure/function; Not observed at significant frequency in large population cohorts (gnomAD); Has not been previously published as pathogenic or benign to our knowledge

NM_052867.4(NALCN):c.1485T>G (p.Phe495Leu)

Gene: NALCN (sodium leak channel, non-selective; minus strand). Cytogenetic location: 13q33.1.
Variant type: single nucleotide variant.
Coding change: c.1485T>G on transcript NM_052867.4 (MANE Select); coding-DNA position 1485, T replaced by G.
Protein change: p.Phe495Leu; replaces phenylalanine 495 with leucine.
Molecular consequence: missense variant.
Genome position (GRCh38, 1-based): chr13:101,229,534, A>C on the plus strand (T>G on the coding strand, the complement: NALCN is on the minus strand). VCF-style: chr13-101229534-A-C. GRCh37 (hg19) VCF-style: chr13-101881885-A-C.
Other names: c.1485T>G, p.Phe495Leu (NM_001350748.2, NM_001350749.2); c.1398T>G, p.Phe466Leu (NM_001350750.2, NM_001350751.2); short protein forms F466L, F495L.
Identifiers: ClinVar variation 4074611 (VCV004074611.1).